The following is an entry in ClinVar:

NM_000256.3(MYBPC3):c.2196C>T (p.Asp732=)

Gene: MYBPC3 (myosin binding protein C3; minus strand). Cytogenetic location: 11p11.2.
Variant type: single nucleotide variant.
Coding change: c.2196C>T on transcript NM_000256.3 (MANE Select); coding-DNA position 2196, C replaced by T.
Protein change: p.Asp732=; no amino-acid change (aspartic acid 732 retained).
Molecular consequence: synonymous variant.
Genome position (GRCh38, 1-based): chr11:47,338,632, G>A on the plus strand (C>T on the coding strand, the complement: MYBPC3 is on the minus strand). VCF-style: chr11-47338632-G-A. GRCh37 (hg19) VCF-style: chr11-47360183-G-A.
Identifiers: ClinVar variation 42606 (VCV000042606.28), dbSNP rs397515955, ClinGen allele CA011863.
Genomic context (GRCh38, chr11:47,338,632, plus strand): 5'-TGTGACCGTGTAGACGCCCTCATCTTCCTTCTCTGCCCCCTCGACCGTGAAGATGCTGCG[G>A]TCCTTGGTGGTCTCCACGCGGACCCGGCCCTCGGTCTCACACAGCAGCTGGGGGGGTGCA-3'
Protein context (NP_000247.2, residues 722-742): EGRVRVETTK[Asp732=]RSIFTVEGAE

ClinVar aggregate classification (germline): Likely benign. Review status: criteria provided, multiple submitters, no conflicts (2 of 4 stars). 11 submissions from 11 submitters: Likely benign (7). 4 of the submissions do not count toward it. Last evaluated 2025-06-11.

Conditions:
MYBPC3-related disorder. Also called: MYBPC3-related disorders; MYBPC3-related condition; MYBPC3-related disease.
Cardiovascular phenotype. Identifiers: MedGen CN230736.
Cardiomyopathy (CMYO). Also called: Cardiomyopathies. Identifiers: Orphanet 167848, MedGen C0878544, MONDO:0004994, HP:0001638. Inheritance: Various modes of inheritance.
Hypertrophic cardiomyopathy. Also called: HYPERTROPHIC MYOCARDIOPATHY. Identifiers: Orphanet 217569, MedGen C0007194, MeSH D002312, MONDO:0005045, HP:0001639.

Allele frequency attached by ClinVar (database versions not stated): gnomAD exomes 0.00001 and 0.00005; TOPMed 0.00004; gnomAD 0.00007.
gnomAD v4.1: 81 of 1,613,822 alleles (0.005%); highest among the groups gnomAD compares: Non-Finnish European, 0.0064%; no homozygotes.

Submissions (11):

Labcorp Genetics (formerly Invitae), Labcorp
Classification: Likely benign for Hypertrophic cardiomyopathy. Last evaluated: 2025-06-11. Review status: criteria provided, single submitter. Criteria: Invitae Variant Classification Sherloc (09022015). Collection method: clinical testing. Allele origin: germline.

Blueprint Genetics
Classification: Likely benign. Last evaluated: 2024-10-08. Review status: criteria provided, single submitter. Criteria: ACMG Guidelines, 2015. Collection method: clinical testing. Allele origin: germline.

All of Us Research Program, National Institutes of Health
Classification: Likely benign for Hypertrophic cardiomyopathy. Last evaluated: 2023-12-01. Review status: criteria provided, single submitter. Criteria: ACMG Guidelines, 2015. Collection method: clinical testing. Allele origin: germline. Inheritance: Autosomal dominant inheritance. Observed: 7 variant alleles, 7 heterozygotes.
Comment: This study involves interpretation of variants in research participants for the purpose of population health screening. Participant phenotype was not available at the time of variant classification. Additional details can be found in publication PMID: 35346344, PMCID: PMC8962531

Ambry Genetics
Classification: Likely benign for Cardiovascular phenotype. Last evaluated: 2022-05-24. Review status: criteria provided, single submitter. Criteria: Ambry Variant Classification Scheme 2023. Collection method: clinical testing. Allele origin: germline.

Color Diagnostics, LLC DBA Color Health
Classification: Likely benign for Cardiomyopathy. Last evaluated: 2018-11-27. Review status: criteria provided, single submitter. Criteria: ACMG Guidelines, 2015. Collection method: clinical testing. Allele origin: germline.

CHEO Genetics Diagnostic Laboratory, Children's Hospital of Eastern Ontario
Classification: Likely benign for Cardiomyopathy. Last evaluated: 2016-08-25. Review status: criteria provided, single submitter. Criteria: ACMG Guidelines, 2015. Collection method: clinical testing. Allele origin: germline. Study: Canadian Open Genetics Repository.

Laboratory for Molecular Medicine, Mass General Brigham Personalized Medicine
Classification: Likely benign. Last evaluated: 2008-03-01. Review status: criteria provided, single submitter. Criteria: LMM Criteria. Collection method: clinical testing. Allele origin: germline. Observed: 1 variant allele.

PreventionGenetics, part of Exact Sciences
Classification: Likely benign for MYBPC3-related condition. Last evaluated: 2020-09-04. Review status: no assertion criteria provided. Collection method: clinical testing. Allele origin: germline. Not counted in ClinVar's aggregate classification.
Comment: This variant is classified as likely benign based on ACMG/AMP sequence variant interpretation guidelines (Richards et al. 2015 PMID: 25741868, with internal and published modifications).

Clinical Genetics, Academic Medical Center
Classification: Benign. Review status: no assertion criteria provided. Collection method: clinical testing. Allele origin: germline. Affected: yes. Study: VKGL Data-share Consensus. Not counted in ClinVar's aggregate classification.

Genome Diagnostics Laboratory, University Medical Center Utrecht
Classification: Likely benign. Review status: no assertion criteria provided. Collection method: clinical testing. Allele origin: germline. Affected: yes. Study: VKGL Data-share Consensus. Not counted in ClinVar's aggregate classification.

Joint Genome Diagnostic Labs from Nijmegen and Maastricht, Radboudumc and MUMC+
Classification: Likely benign. Review status: no assertion criteria provided. Collection method: clinical testing. Allele origin: germline. Affected: yes. Study: VKGL Data-share Consensus. Not counted in ClinVar's aggregate classification.